The following is an entry in ClinVar:

NM_001374504.1(TMPRSS6):c.1196+44C>G

Gene: TMPRSS6 (transmembrane serine protease 6; minus strand). Cytogenetic location: 22q12.3.
Variant type: single nucleotide variant.
Coding change: c.1196+44C>G on transcript NM_001374504.1 (MANE Select); 44 bases into the intron after coding-DNA position 1196, C replaced by G.
Molecular consequence: intron variant.
Genome position (GRCh38, 1-based): chr22:37,084,251, G>C on the plus strand (C>G on the coding strand, the complement: TMPRSS6 is on the minus strand). VCF-style: chr22-37084251-G-C. GRCh37 (hg19) VCF-style: chr22-37480291-G-C.
Other names: c.1196+44C>G (NM_001289000.2, NM_001289001.2, NM_153609.4).
Identifiers: ClinVar variation 2653112 (VCV002653112.24), dbSNP rs140174851, ClinGen allele CA10215733.

ClinVar aggregate classification (germline): Likely benign (1 of 4 stars; one submission).

Allele frequency attached by ClinVar (database versions not stated): 1000 Genomes Project 30x 0.00297; 1000 Genomes Project 0.00300; ESP Exome Variant Server 0.00300.
gnomAD v4.1: 8,044 of 1,516,428 alleles (0.53%); highest among the groups gnomAD compares: Non-Finnish European, 0.54%; 32 homozygotes.

Submission:

CeGaT Center for Human Genetics Tuebingen
Classification: Likely benign. Last evaluated: 2026-08-01. Review status: criteria provided, single submitter. Criteria: CeGaT Center For Human Genetics Tuebingen Variant Classification Criteria Version 2. Collection method: clinical testing. Allele origin: germline. Affected: yes. Observed: 7 variant alleles.
Comment: TMPRSS6: BP4, BS2